The following is an entry in ClinVar:

ClinVar aggregate classification (germline): Uncertain significance (1 of 4 stars; one submission).

Allele frequency attached by ClinVar (database versions not stated): gnomAD 0.00001; TOPMed 0.00002.
gnomAD v4.1: 40 of 1,613,412 alleles (0.0025%); highest among the groups gnomAD compares: South Asian, 0.0088%; no homozygotes.

Submission:

Labcorp Genetics (formerly Invitae), Labcorp
Classification: Uncertain significance. Last evaluated: 2022-06-27. Review status: criteria provided, single submitter. Criteria: Invitae Variant Classification Sherloc (09022015). Collection method: clinical testing. Allele origin: germline.
Comment: This sequence change replaces alanine, which is neutral and non-polar, with valine, which is neutral and non-polar, at codon 124 of the TRAF3IP1 protein (p.Ala124Val). This variant is present in population databases (rs764922323, gnomAD 0.007%). This variant has not been reported in the literature in individuals affected with TRAF3IP1-related conditions. Algorithms developed to predict the effect of missense changes on protein structure and function are either unavailable or do not agree on the potential impact of this missense change (SIFT: "Tolerated"; PolyPhen-2: "Possibly Damaging"; Align-GVGD: "Class C0"). In summary, the available evidence is currently insufficient to determine the role of this variant in disease. Therefore, it has been classified as a Variant of Uncertain Significance.

NM_015650.4(TRAF3IP1):c.371C>T (p.Ala124Val)

Gene: TRAF3IP1 (TRAF3 interacting protein 1; plus strand). Cytogenetic location: 2q37.3.
Variant type: single nucleotide variant.
Coding change: c.371C>T on transcript NM_015650.4 (MANE Select); coding-DNA position 371, C replaced by T.
Protein change: p.Ala124Val; replaces alanine 124 with valine.
Molecular consequence: missense variant.
Genome position (GRCh38, 1-based): chr2:238,328,702, C>T. VCF-style: chr2-238328702-C-T. GRCh37 (hg19) VCF-style: chr2-239237343-C-T.
Other names: c.371C>T, p.Ala124Val (NM_001139490.1); short protein forms A124V.
Identifiers: ClinVar variation 1359623 (VCV001359623.3), dbSNP rs764922323, ClinGen allele CA2198044.